The following is an entry in ClinVar:

ClinVar aggregate classification (germline): Uncertain significance (1 of 4 stars; one submission).

Submission:

Ambry Genetics
Classification: Uncertain significance. Last evaluated: 2025-04-20. Review status: criteria provided, single submitter. Criteria: Ambry Variant Classification Scheme 2023. Collection method: clinical testing. Allele origin: germline.
Comment: The p.P751R variant (also known as c.2252C>G), located in coding exon 10 of the WNK2 gene, results from a C to G substitution at nucleotide position 2252. The proline at codon 751 is replaced by arginine, an amino acid with dissimilar properties. This amino acid position is conserved. In addition, this alteration is predicted to be tolerated by in silico analysis. Based on the available evidence, the clinical significance of this variant remains unclear.

NM_006648.4(WNK2):c.2252C>G (p.Pro751Arg)

Gene: WNK2 (WNK lysine deficient protein kinase 2; plus strand). Cytogenetic location: 9q22.31.
Variant type: single nucleotide variant.
Coding change: c.2252C>G on transcript NM_006648.4 (MANE Select); coding-DNA position 2252, C replaced by G.
Protein change: p.Pro751Arg; replaces proline 751 with arginine.
Molecular consequence: missense variant.
Genome position (GRCh38, 1-based): chr9:93,257,009, C>G. VCF-style: chr9-93257009-C-G. GRCh37 (hg19) VCF-style: chr9-96019291-C-G.
Other names: c.2252C>G, p.Pro751Arg (NM_001282394.3); short protein forms P751R.
Identifiers: ClinVar variation 3981924 (VCV003981924.1).